The following is an entry in ClinVar:

NM_153717.3(EVC):c.1850G>A (p.Arg617His)

Gene: EVC (EvC ciliary complex subunit 1; plus strand). Cytogenetic location: 4p16.2.
Variant type: single nucleotide variant.
Coding change: c.1850G>A on transcript NM_153717.3 (MANE Select); coding-DNA position 1850, G replaced by A.
Protein change: p.Arg617His; replaces arginine 617 with histidine.
Molecular consequence: missense variant.
Genome position (GRCh38, 1-based): chr4:5,793,681, G>A. VCF-style: chr4-5793681-G-A. GRCh37 (hg19) VCF-style: chr4-5795408-G-A.
Other names: c.1850G>A, p.Arg617His (NM_001306090.2); short protein forms R617H.
Identifiers: ClinVar variation 3276651 (VCV003276651.1).

ClinVar aggregate classification (germline): Conflicting classifications of pathogenicity. Review status: criteria provided, conflicting classifications (1 of 4 stars). 2 submissions from 2 submitters: Uncertain significance (1); Likely benign (1). Last evaluated 2024-05-05.

Conditions:
Inborn genetic diseases. Identifiers: MedGen C0950123, MeSH D030342.

gnomAD v4.1: 22 of 1,551,886 alleles (0.0014%); highest among the groups gnomAD compares: Non-Finnish European, 0.0017%; no homozygotes.

Submissions (2):

Women's Health and Genetics/Laboratory Corporation of America, LabCorp
Classification: Uncertain significance. Last evaluated: 2024-05-05. Review status: criteria provided, single submitter. Criteria: LabCorp Variant Classification Summary - May 2015. Collection method: clinical testing. Allele origin: germline.
Comment: Variant summary: EVC c.1850G>A (p.Arg617His) results in a non-conservative amino acid change in the encoded protein sequence. Four of five in-silico tools predict a benign effect of the variant on protein function. The variant allele was found at a frequency of 6.3e-06 in 158048 control chromosomes (gnomAD). The available data on variant occurrences in the general population are insufficient to allow any conclusion about variant significance. To our knowledge, no occurrence of c.1850G>A in individuals affected with Ellis-van Creveld syndrome and no experimental evidence demonstrating its impact on protein function have been reported. No submitters have cited clinical-significance assessments for this variant to ClinVar. Based on the evidence outlined above, the variant was classified as uncertain significance.

Ambry Genetics
Classification: Likely benign for Inborn genetic diseases. Last evaluated: 2024-04-23. Review status: criteria provided, single submitter. Criteria: Ambry Variant Classification Scheme 2023. Collection method: clinical testing. Allele origin: germline.